The following is an entry in ClinVar:

NM_152309.3(PIK3AP1):c.1793C>T (p.Ala598Val)

Gene: PIK3AP1 (phosphoinositide-3-kinase adaptor protein 1; minus strand). Cytogenetic location: 10q24.1.
Variant type: single nucleotide variant.
Coding change: c.1793C>T on transcript NM_152309.3 (MANE Select); coding-DNA position 1793, C replaced by T.
Protein change: p.Ala598Val; replaces alanine 598 with valine.
Molecular consequence: missense variant.
Genome position (GRCh38, 1-based): chr10:96,620,500, G>A on the plus strand (C>T on the coding strand, the complement: PIK3AP1 is on the minus strand). VCF-style: chr10-96620500-G-A. GRCh37 (hg19) VCF-style: chr10-98380257-G-A.
Other names: short protein forms A598V.
Identifiers: ClinVar variation 842539 (VCV000842539.9), dbSNP rs761563569, ClinGen allele CA5626152.

ClinVar aggregate classification (germline): Uncertain significance (1 of 4 stars; one submission).

Conditions:
Infantile spasms. Also called: Infantile spasm. Identifiers: MedGen C3887898, HP:0012469.

Allele frequency attached by ClinVar (database versions not stated): gnomAD exomes below 0.00001 and 0.00001; TOPMed below 0.00001; ExAC 0.00001.
gnomAD v4.1: 14 of 1,613,886 alleles (0.00087%); highest among the groups gnomAD compares: African/African-American, 0.004%; no homozygotes.

Submission:

Labcorp Genetics (formerly Invitae), Labcorp
Classification: Uncertain significance for Infantile spasms. Last evaluated: 2022-08-23. Review status: criteria provided, single submitter. Criteria: Invitae Variant Classification Sherloc (09022015). Collection method: clinical testing. Allele origin: germline.
Comment: ClinVar contains an entry for this variant (Variation ID: 842539). This variant has not been reported in the literature in individuals affected with PIK3AP1-related conditions. The frequency data for this variant in the population databases is considered unreliable, as metrics indicate poor data quality at this position in the gnomAD database. This sequence change replaces alanine, which is neutral and non-polar, with valine, which is neutral and non-polar, at codon 598 of the PIK3AP1 protein (p.Ala598Val). Algorithms developed to predict the effect of missense changes on protein structure and function are either unavailable or do not agree on the potential impact of this missense change (SIFT: "Deleterious"; PolyPhen-2: "Possibly Damaging"; Align-GVGD: "Class C0"). In summary, the available evidence is currently insufficient to determine the role of this variant in disease. Therefore, it has been classified as a Variant of Uncertain Significance.